The following is an entry in ClinVar:

NM_004472.3(FOXD1):c.-21CGC[3]

Gene: FOXD1 (forkhead box D1; minus strand). Cytogenetic location: 5q13.2.
Variant type: Microsatellite.
Coding change: c.-21CGC[3] on transcript NM_004472.3 (MANE Select); three copies in a row of the 3-base unit CGC starting at c.-21; the reference has four copies in a row; one copy, 3 bases deleted.
Molecular consequence: 5 prime UTR variant.
Genome position (GRCh38, 1-based): chr5:73,448,372-73,448,374, GCG deleted on the plus strand (CGC on the coding strand, the reverse complement: FOXD1 is on the minus strand); deleting any 3 consecutive bases within chr5:73,448,372-73,448,384 gives the same sequence; the position shown is the placement nearest the transcript's 3' end. VCF-style (leftmost placement, unchanged base first): chr5-73448371-CGCG-C. GRCh37 (hg19) VCF-style: chr5-72744196-CGCG-C.
Identifiers: ClinVar variation 3038294 (VCV003038294.2), dbSNP rs747005522, ClinGen allele CA3303136.

ClinVar aggregate classification (germline): Likely benign (0 of 4 stars; one submission).

Conditions:
FOXD1-related disorder. Also called: FOXD1-related condition.

Submission:

PreventionGenetics, part of Exact Sciences
Classification: Likely benign for FOXD1-related condition. Last evaluated: 2019-12-19. Review status: no assertion criteria provided. Collection method: clinical testing. Allele origin: germline.
Comment: This variant is classified as likely benign based on ACMG/AMP sequence variant interpretation guidelines (Richards et al. 2015 PMID: 25741868, with internal and published modifications).